The following is an entry in ClinVar:

NM_018489.3(ASH1L):c.6259G>A (p.Glu2087Lys)

Gene: ASH1L (ASH1 like histone lysine methyltransferase; minus strand). Cytogenetic location: 1q22.
Variant type: single nucleotide variant.
Coding change: c.6259G>A on transcript NM_018489.3 (MANE Select); coding-DNA position 6259, G replaced by A.
Protein change: p.Glu2087Lys; replaces glutamic acid 2087 with lysine.
Molecular consequence: missense variant.
Genome position (GRCh38, 1-based): chr1:155,378,354, C>T on the plus strand (G>A on the coding strand, the complement: ASH1L is on the minus strand). VCF-style: chr1-155378354-C-T. GRCh37 (hg19) VCF-style: chr1-155348145-C-T.
Other names: c.6259G>A (NM_018489.2); c.6274G>A, p.Glu2092Lys (NM_001366177.2); short protein forms E2087K, E2092K.
Identifiers: ClinVar variation 2639410 (VCV002639410.24), dbSNP rs1043079690, ClinGen allele CA30928969.

ClinVar aggregate classification (germline): Uncertain significance. Review status: criteria provided, multiple submitters, no conflicts (2 of 4 stars). 2 submissions from 2 submitters: Uncertain significance (2). Last evaluated 2025-12-30.

Conditions:
Inborn genetic diseases. Identifiers: MedGen C0950123, MeSH D030342.

Allele frequency attached by ClinVar (database versions not stated): TOPMed below 0.00001; gnomAD exomes 0.00001.
gnomAD v4.1: 8 of 1,614,088 alleles (0.0005%); highest among the groups gnomAD compares: African/African-American, 0.0013%; no homozygotes.

Submissions (2):

Ambry Genetics
Classification: Uncertain significance for Inborn genetic diseases. Last evaluated: 2025-12-30. Review status: criteria provided, single submitter. Criteria: Ambry Variant Classification Scheme 2023. Collection method: clinical testing. Allele origin: germline.

CeGaT Center for Human Genetics Tuebingen
Classification: Uncertain significance. Last evaluated: 2022-12-01. Review status: criteria provided, single submitter. Criteria: CeGaT Center For Human Genetics Tuebingen Variant Classification Criteria Version 2. Collection method: clinical testing. Allele origin: germline. Affected: yes. Observed: 1 variant allele.
Comment: ASH1L: PM2, PP2